The following is an entry in ClinVar:

ClinVar aggregate classification (germline): Uncertain significance (1 of 4 stars; one submission).

Allele frequency attached by ClinVar (database versions not stated): gnomAD exomes below 0.00001; TOPMed below 0.00001; gnomAD 0.00001.
gnomAD v4.1: 4 of 1,604,664 alleles (0.00025%); highest among the groups gnomAD compares: East Asian, 0.0045%; no homozygotes.

Submission:

Labcorp Genetics (formerly Invitae), Labcorp
Classification: Uncertain significance. Last evaluated: 2022-04-11. Review status: criteria provided, single submitter. Criteria: Invitae Variant Classification Sherloc (09022015). Collection method: clinical testing. Allele origin: germline.
Comment: In summary, the available evidence is currently insufficient to determine the role of this variant in disease. Therefore, it has been classified as a Variant of Uncertain Significance. Algorithms developed to predict the effect of missense changes on protein structure and function are either unavailable or do not agree on the potential impact of this missense change (SIFT: "Tolerated"; PolyPhen-2: "Possibly Damaging"; Align-GVGD: "Class C0"). This variant has not been reported in the literature in individuals affected with PTPN23-related conditions. The frequency data for this variant in the population databases is considered unreliable, as metrics indicate poor data quality at this position in the gnomAD database. This sequence change replaces glycine, which is neutral and non-polar, with serine, which is neutral and polar, at codon 1136 of the PTPN23 protein (p.Gly1136Ser).

NM_015466.4(PTPN23):c.3406G>A (p.Gly1136Ser)

Gene: PTPN23 (protein tyrosine phosphatase non-receptor type 23; plus strand). Cytogenetic location: 3p21.31.
Variant type: single nucleotide variant.
Coding change: c.3406G>A on transcript NM_015466.4 (MANE Select); coding-DNA position 3406, G replaced by A.
Protein change: p.Gly1136Ser; replaces glycine 1136 with serine.
Molecular consequence: missense variant.
Genome position (GRCh38, 1-based): chr3:47,411,204, G>A. VCF-style: chr3-47411204-G-A. GRCh37 (hg19) VCF-style: chr3-47452694-G-A.
Other names: c.3028G>A, p.Gly1010Ser (NM_001304482.2); short protein forms G1136S, G1010S.
Identifiers: ClinVar variation 1948105 (VCV001948105.5), dbSNP rs1247063469, ClinGen allele CA352562112.